The following is an entry in ClinVar:

ClinVar aggregate classification (germline): Uncertain significance (1 of 4 stars; one submission).

Allele frequency attached by ClinVar (database versions not stated): gnomAD exomes below 0.00001.

Submission:

Labcorp Genetics (formerly Invitae), Labcorp
Classification: Uncertain significance. Last evaluated: 2022-11-01. Review status: criteria provided, single submitter. Criteria: Invitae Variant Classification Sherloc (09022015). Collection method: clinical testing. Allele origin: germline.
Comment: This variant has not been reported in the literature in individuals affected with UNC119-related conditions. In summary, the available evidence is currently insufficient to determine the role of this variant in disease. Therefore, it has been classified as a Variant of Uncertain Significance. This variant is not present in population databases (gnomAD no frequency). This sequence change creates a premature translational stop signal (p.Leu199Serfs*15) in the UNC119 gene. While this is not anticipated to result in nonsense mediated decay, it is expected to disrupt the last 42 amino acid(s) of the UNC119 protein.

NM_005148.4(UNC119):c.593_594insG (p.Leu199fs)

Gene: UNC119 (unc-119 lipid binding chaperone; minus strand). Cytogenetic location: 17q11.2.
Variant type: Insertion.
Coding change: c.593_594insG on transcript NM_005148.4 (MANE Select); coding-DNA positions 593 to 594, G inserted.
Protein change: p.Leu199fs; shifts the reading frame from leucine 199.
Molecular consequence: frameshift variant.
Genome position: GRCh38 VCF-style: chr17-28547693-A-AC. GRCh37 (hg19) VCF-style: chr17-26874711-A-AC.
Other names: c.308_309insG, p.Leu104fs (NM_001330166.2); c.593_594insG, p.Leu199fs (NM_054035.2); short protein forms L104fs, L199fs.
Identifiers: ClinVar variation 1951493 (VCV001951493.5), dbSNP rs2508463270, ClinGen allele CA2576208079.